The following is an entry in ClinVar:

NM_032977.4(CASP10):c.851G>A (p.Gly284Asp)

Gene: CASP10 (caspase 10; plus strand). Cytogenetic location: 2q33.1.
Variant type: single nucleotide variant.
Coding change: c.851G>A on transcript NM_032977.4 (MANE Select); coding-DNA position 851, G replaced by A.
Protein change: p.Gly284Asp; replaces glycine 284 with aspartic acid.
Molecular consequence: missense variant. On other transcripts: synonymous variant (1), intron variant (1).
Genome position (GRCh38, 1-based): chr2:201,208,112, G>A. VCF-style: chr2-201208112-G-A. GRCh37 (hg19) VCF-style: chr2-202072835-G-A.
Other names: c.722G>A, p.Gly241Asp (NM_001206542.2, NM_001230.5); c.851G>A, p.Gly284Asp (NM_032974.5); c.759G>A, p.Arg253= (NM_032976.4); c.722-958G>A (NM_001206524.2); short protein forms G241D, G284D.
Identifiers: ClinVar variation 4986161 (VCV004986161.1).

ClinVar aggregate classification (germline): Uncertain significance (1 of 4 stars; one submission).

Conditions:
CASP10-related disorder. Also called: CASP10-related condition.

gnomAD v4.1: 2 of 1,613,946 alleles (0.00012%); highest among the groups gnomAD compares: Non-Finnish European, 0.00017%; no homozygotes.

Submission:

PreventionGenetics, part of Exact Sciences
Classification: Uncertain significance for CASP10-related condition. Last evaluated: 2024-12-14. Review status: criteria provided, single submitter. Criteria: ACMG Guidelines, 2015. Collection method: clinical testing. Allele origin: germline.
Comment: The CASP10 c.851G>A variant is predicted to result in the amino acid substitution p.Gly284Asp. To our knowledge, this variant has not been reported in the literature or in a large population database (gnomAD), indicating this variant is rare. At this time, the clinical significance of this variant is uncertain due to the absence of conclusive functional and genetic evidence.